The following is an entry in ClinVar:

ClinVar aggregate classification (germline): Pathogenic (1 of 4 stars; one submission).

Conditions:
Autosomal recessive limb-girdle muscular dystrophy type 2O. Also called: Limb-Girdle Muscular Dystrophy Type 3C; MUSCULAR DYSTROPHY-DYSTROGLYCANOPATHY (LIMB-GIRDLE), TYPE C, 3; MUSCULAR DYSTROPHY-DYSTROGLYCANOPATHY, LIMB-GIRDLE, POMGNT1-RELATED. Identifiers: Orphanet 206564, MedGen C3150417, MONDO:0013161, OMIM 613157.
Muscular dystrophy-dystroglycanopathy (congenital with impaired intellectual development), type B, 3. Also called: MUSCULAR DYSTROPHY, CONGENITAL, POMGNT1-RELATED; Muscular dystrophy-dystroglycanopathy (congenital with intellectual disability), type B3. Identifiers: MedGen C3150412, MONDO:0013155, OMIM 613151.

Submission:

Labcorp Genetics (formerly Invitae), Labcorp
Classification: Pathogenic for Autosomal recessive limb-girdle muscular dystrophy type 2O; Muscular dystrophy-dystroglycanopathy (congenital with impaired intellectual development), type B, 3. Last evaluated: 2022-11-24. Review status: criteria provided, single submitter. Criteria: Invitae Variant Classification Sherloc (09022015). Collection method: clinical testing. Allele origin: germline.
Comment: This sequence change creates a premature translational stop signal (p.Leu322Alafs*16) in the POMGNT1 gene. It is expected to result in an absent or disrupted protein product. Loss-of-function variants in POMGNT1 are known to be pathogenic (PMID: 19299310, 20816175, 21447391, 26908613, 27391550). This variant is not present in population databases (gnomAD no frequency). This variant has not been reported in the literature in individuals affected with POMGNT1-related conditions. Algorithms developed to predict the effect of sequence changes on RNA splicing suggest that this variant may disrupt the consensus splice site. For these reasons, this variant has been classified as Pathogenic.

Literature cited by the submitters: PubMed 19299310; PubMed 20816175; PubMed 21447391; PubMed 26908613; PubMed 27391550.

NM_017739.4(POMGNT1):c.964_965del (p.Leu322fs)

Genes: POMGNT1 (protein O-linked mannose N-acetylglucosaminyltransferase 1 (beta 1,2-); minus strand), TSPAN1 (tetraspanin 1; plus strand). Cytogenetic location: 1p34.1.
Variant type: Microsatellite.
Coding change: c.964_965del on transcript NM_017739.4 (MANE Select); coding-DNA positions 964 to 965, 2 bases deleted (CT; older notation c.964_965delCT).
Protein change: p.Leu322fs; shifts the reading frame from leucine 322.
Molecular consequence: frameshift variant.
Genome position (GRCh38, 1-based): chr1:46,193,625-46,193,626, AG deleted on the plus strand (CT on the coding strand, the reverse complement: POMGNT1 is on the minus strand); deleting any 2 consecutive bases within chr1:46,193,625-46,193,630 gives the same sequence; the c. name uses the placement nearest the transcript's 3' end. VCF-style (leftmost placement, unchanged base first): chr1-46193624-CAG-C. GRCh37 (hg19) VCF-style: chr1-46659296-CAG-C.
Other names: c.964_965del, p.Leu322fs (NM_001243766.2, NM_001410783.1); c.894_895CT[2], p.Leu300Alafs (NM_001290129.3); c.535_536del, p.Leu179fs (NM_001290130.2); short protein forms L179fs, L300fs, L322fs.
Identifiers: ClinVar variation 2941807 (VCV002941807.3), dbSNP rs2525412110, ClinGen allele CA2740090710.